The following is an entry in ClinVar:

NM_014363.6(SACS):c.10896A>G (p.Ile3632Met)

Gene: SACS (sacsin molecular chaperone; minus strand). Cytogenetic location: 13q12.12.
Variant type: single nucleotide variant.
Coding change: c.10896A>G on transcript NM_014363.6 (MANE Select); coding-DNA position 10896, A replaced by G.
Protein change: p.Ile3632Met; replaces isoleucine 3632 with methionine.
Molecular consequence: missense variant.
Genome position (GRCh38, 1-based): chr13:23,332,980, T>C on the plus strand (A>G on the coding strand, the complement: SACS is on the minus strand). VCF-style: chr13-23332980-T-C. GRCh37 (hg19) VCF-style: chr13-23907119-T-C.
Other names: c.10455A>G, p.Ile3485Met (NM_001278055.2); short protein forms I3632M, I3485M.
Identifiers: ClinVar variation 311508 (VCV000311508.28), dbSNP rs35256065, ClinGen allele CA6910375.

ClinVar aggregate classification (germline): Conflicting classifications of pathogenicity. Review status: criteria provided, conflicting classifications (1 of 4 stars). 9 submissions from 9 submitters: Uncertain significance (1); Benign (4). 4 of the submissions do not count toward it. Last evaluated 2026-02-02.

Conditions:
Charlevoix-Saguenay spastic ataxia (SACS). Also called: AUTOSOMAL RECESSIVE SPASTIC ATAXIA OF CHARLEVOIX-SAGUENAY; SPASTIC ATAXIA 6, AUTOSOMAL RECESSIVE; Spastic ataxia of Charlevoix-Saguenay. Identifiers: Orphanet 98, MedGen C1849140, MONDO:0010041, OMIM 270550.
Spastic paraplegia. Identifiers: MedGen C0037772, HP:0001258.

Allele frequency attached by ClinVar (database versions not stated): gnomAD exomes 0.00056 and 0.00146; ExAC 0.00186; gnomAD 0.00525 and 0.00558; ESP Exome Variant Server 0.00554; TOPMed 0.00591; 1000 Genomes Project 0.00779; 1000 Genomes Project 30x 0.00874.
gnomAD v4.1: 1,687 of 1,613,882 alleles (0.1%); highest among the groups gnomAD compares: African/African-American, 1.8%; 14 homozygotes.

Submissions (9):

Labcorp Genetics (formerly Invitae), Labcorp
Classification: Benign for Spastic paraplegia. Last evaluated: 2026-02-02. Review status: criteria provided, single submitter. Criteria: Invitae Variant Classification Sherloc (09022015). Collection method: clinical testing. Allele origin: germline.

Athena Diagnostics
Classification: Benign. Last evaluated: 2025-10-02. Review status: criteria provided, single submitter. Criteria: Athena Diagnostics Criteria. Collection method: clinical testing. Allele origin: unknown.
Comment: The frequency of this variant in the general population is higher than would generally be expected for pathogenic variants in this gene.

Mayo Clinic Laboratories, Mayo Clinic
Classification: Benign. Last evaluated: 2021-05-26. Review status: criteria provided, single submitter. Criteria: ACMG Guidelines, 2015. Collection method: clinical testing. Allele origin: germline. Observed: 12 variant alleles.

Genome-Nilou Lab
Classification: Benign for Charlevoix-Saguenay spastic ataxia. Last evaluated: 2021-05-18. Review status: criteria provided, single submitter. Criteria: ACMG Guidelines, 2015. Collection method: clinical testing. Allele origin: germline. Affected: no.

Illumina Laboratory Services, Illumina
Classification: Uncertain significance for Charlevoix-Saguenay spastic ataxia. Last evaluated: 2018-01-12. Review status: criteria provided, single submitter. Criteria: ICSL Variant Classification Criteria 13 December 2019. Collection method: clinical testing. Allele origin: germline.

Natera, Inc.
Classification: Benign for Charlevoix-Saguenay type spastic ataxia. Last evaluated: 2020-09-16. Review status: no assertion criteria provided. Collection method: clinical testing. Allele origin: germline. Not counted in ClinVar's aggregate classification.

Clinical Genetics DNA and cytogenetics Diagnostics Lab, Erasmus MC, Erasmus Medical Center
Classification: Benign. Review status: no assertion criteria provided. Collection method: clinical testing. Allele origin: germline. Affected: yes. Study: VKGL Data-share Consensus. Not counted in ClinVar's aggregate classification.

Joint Genome Diagnostic Labs from Nijmegen and Maastricht, Radboudumc and MUMC+
Classification: Benign. Review status: no assertion criteria provided. Collection method: clinical testing. Allele origin: germline. Affected: yes. Study: VKGL Data-share Consensus. Not counted in ClinVar's aggregate classification.

Laboratory of Diagnostic Genome Analysis, Leiden University Medical Center (LUMC)
Classification: Likely benign. Review status: no assertion criteria provided. Collection method: clinical testing. Allele origin: germline. Affected: yes. Study: VKGL Data-share Consensus. Not counted in ClinVar's aggregate classification.